The following is an entry in ClinVar:

ClinVar aggregate classification (germline): Likely pathogenic (1 of 4 stars; one submission).

Conditions:
Familial intrahepatic cholestasis. Identifiers: Orphanet 284385, MedGen CN296401, MONDO:0017290.

Submission:

Genomenon, Inc
Classification: Likely pathogenic for Familial intrahepatic cholestasis. Last evaluated: 2026-04-14. Review status: criteria provided, single submitter. Criteria: Genomenon Sequence Variant Interpretation Standards - Updated. Collection method: curation. Allele origin: germline. Affected: yes.
Comment: ABCB11 p.Val284Leu (c.850G>C) is a missense variant that changes the amino acid at residue 284 from Valine to Leucine. This variant has been observed in at least one proband with an ABCB11-related disorder (PMID:18692205;24627769). The variant was found to segregate with disease in at least one affected family (PMID:18692205). It has been observed in trans with a pathogenic or likely pathogenic variant (PMID:18692205). At least one functional study has demonstrated a substantial alteration in protein function relative to the wild-type (PMID:40195555). It is absent or not present at a significant frequency in gnomAD. In silico models predict that this variant is possibly or probably damaging. In conclusion, we classify ABCB11 p.Val284Leu (c.850G>C) as a likely pathogenic variant.

Literature cited by the submitters: PubMed 18692205; PubMed 24627769; PubMed 40195555.

NM_003742.4(ABCB11):c.850G>C (p.Val284Leu)

Gene: ABCB11 (ATP binding cassette subfamily B member 11; minus strand). Cytogenetic location: 2q31.1.
Variant type: single nucleotide variant.
Coding change: c.850G>C on transcript NM_003742.4 (MANE Select); coding-DNA position 850, G replaced by C.
Protein change: p.Val284Leu; replaces valine 284 with leucine.
Molecular consequence: missense variant.
Genome position (GRCh38, 1-based): chr2:168,990,859, C>G on the plus strand (G>C on the coding strand, the complement: ABCB11 is on the minus strand). VCF-style: chr2-168990859-C-G. GRCh37 (hg19) VCF-style: chr2-169847369-C-G.
Other names: short protein forms V284L.
Identifiers: ClinVar variation 4846199 (VCV004846199.1).